The following is an entry in ClinVar:

ClinVar aggregate classification (germline): Likely benign (0 of 4 stars; one submission).

Conditions:
DDR2-related disorder. Also called: DDR2-related condition.

Allele frequency attached by ClinVar (database versions not stated): gnomAD exomes below 0.00001.
gnomAD v4.1: 1 of 1,614,210 alleles (0.000062%); highest among the groups gnomAD compares: Non-Finnish European, 0.000085%; no homozygotes.

Submission:

PreventionGenetics, part of Exact Sciences
Classification: Likely benign for DDR2-related condition. Last evaluated: 2020-11-16. Review status: no assertion criteria provided. Collection method: clinical testing. Allele origin: germline.
Comment: This variant is classified as likely benign based on ACMG/AMP sequence variant interpretation guidelines (Richards et al. 2015 PMID: 25741868, with internal and published modifications).

NM_006182.4(DDR2):c.1677C>T (p.Pro559=)

Gene: DDR2 (discoidin domain receptor tyrosine kinase 2; plus strand). Cytogenetic location: 1q23.3.
Variant type: single nucleotide variant.
Coding change: c.1677C>T on transcript NM_006182.4 (MANE Select); coding-DNA position 1677, C replaced by T.
Protein change: p.Pro559=; no amino-acid change (proline 559 retained).
Molecular consequence: synonymous variant.
Genome position (GRCh38, 1-based): chr1:162,772,196, C>T. VCF-style: chr1-162772196-C-T. GRCh37 (hg19) VCF-style: chr1-162741986-C-T.
Other names: c.1677C>T, p.Pro559= (NM_001014796.3, NM_001354982.2, NM_001354983.2).
Identifiers: ClinVar variation 3053424 (VCV003053424.2), dbSNP rs1350936433, ClinGen allele CA421451466.